The following is an entry in ClinVar:

ClinVar aggregate classification (germline): Uncertain significance (1 of 4 stars; one submission).

Submission:

Greenwood Genetic Center Diagnostic Laboratories, Greenwood Genetic Center
Classification: Uncertain significance. Last evaluated: 2023-04-19. Review status: criteria provided, single submitter. Criteria: ACMG Guidelines, 2015. Collection method: clinical testing. Allele origin: germline. Affected: yes.
Comment: Gene of Uncertain Significance

NM_018136.5(ASPM):c.358G>A (p.Glu120Lys)

Gene: ASPM (assembly factor for spindle microtubules; minus strand). Cytogenetic location: 1q31.3.
Variant type: single nucleotide variant.
Coding change: c.358G>A on transcript NM_018136.5 (MANE Select); coding-DNA position 358, G replaced by A.
Protein change: p.Glu120Lys; replaces glutamic acid 120 with lysine.
Molecular consequence: missense variant.
Genome position (GRCh38, 1-based): chr1:197,144,040, C>T on the plus strand (G>A on the coding strand, the complement: ASPM is on the minus strand). VCF-style: chr1-197144040-C-T. GRCh37 (hg19) VCF-style: chr1-197113170-C-T.
Other names: c.358G>A, p.Glu120Lys (NM_001206846.2); short protein forms E120K.
Identifiers: ClinVar variation 2572344 (VCV002572344.1), dbSNP rs2527407369, ClinGen allele CA344021260.